The following is an entry in ClinVar:

NM_002709.3(PPP1CB):c.593-17A>G

Gene: PPP1CB (protein phosphatase 1 catalytic subunit beta; plus strand). Cytogenetic location: 2p23.2.
Variant type: single nucleotide variant.
Coding change: c.593-17A>G on transcript NM_002709.3 (MANE Select); 17 bases into the intron before coding-DNA position 593, A replaced by G.
Molecular consequence: intron variant.
Genome position (GRCh38, 1-based): chr2:28,788,641, A>G. VCF-style: chr2-28788641-A-G. GRCh37 (hg19) VCF-style: chr2-29011507-A-G.
Other names: c.593-17A>G (NM_206876.2).
Identifiers: ClinVar variation 1636542 (VCV001636542.10), dbSNP rs200826100, ClinGen allele CA1589285.
Genomic context (GRCh38, chr2:28,788,641, plus strand): 5'-GAAATTTGATGTAGATGTGCTATATTCTATAAATCTGTAAATTTTGTTCTTAATTGCTGT[A>G]TTTCTGTCCTTTAAAGGTTTGCTCTGTGATTTGCTATGGTCTGATCCAGATAAGGATGTG-3'

ClinVar aggregate classification (germline): Likely benign. Review status: criteria provided, multiple submitters, no conflicts (2 of 4 stars). 3 submissions from 3 submitters: Likely benign (3). Last evaluated 2025-10-29.

Allele frequency attached by ClinVar (database versions not stated): ExAC 0.00001; gnomAD 0.00001; gnomAD exomes 0.00001 and 0.00002; TOPMed 0.00001.
gnomAD v4.1: 24 of 1,608,514 alleles (0.0015%); highest among the groups gnomAD compares: Middle Eastern, 0.016%; no homozygotes.

Submissions (3):

Labcorp Genetics (formerly Invitae), Labcorp
Classification: Likely benign. Last evaluated: 2025-10-29. Review status: criteria provided, single submitter. Criteria: Invitae Variant Classification Sherloc (09022015). Collection method: clinical testing. Allele origin: germline.

Blueprint Genetics
Classification: Likely benign. Last evaluated: 2024-09-16. Review status: criteria provided, single submitter. Criteria: ACMG Guidelines, 2015. Collection method: clinical testing. Allele origin: germline.

Women's Health and Genetics/Laboratory Corporation of America, LabCorp
Classification: Likely benign. Last evaluated: 2023-11-14. Review status: criteria provided, single submitter. Criteria: LabCorp Variant Classification Summary - May 2015. Collection method: clinical testing. Allele origin: germline.
Comment: Variant summary: PPP1CB c.593-17A>G alters a non-conserved nucleotide located at a position not widely known to affect splicing. Consensus agreement among computation tools predict no significant impact on normal splicing. However, these predictions have yet to be confirmed by functional studies. The variant allele was found at a frequency of 1.6e-05 in 246850 control chromosomes (gnomAD). The available data on variant occurrences in the general population are insufficient to allow any conclusion about variant significance. To our knowledge, no occurrence of c.593-17A>G in individuals affected with Noonan Syndrome And Related Conditions and no experimental evidence demonstrating its impact on protein function have been reported. One submitter has cited clinical-significance assessments for this variant to ClinVar after 2014 and has classified the variant as likely benign. Based on the evidence outlined above, the variant was classified as likely benign.